The following is an entry in ClinVar:

ClinVar aggregate classification (germline): Uncertain significance (1 of 4 stars; one submission).

Submission:

Greenwood Genetic Center Diagnostic Laboratories, Greenwood Genetic Center
Classification: Uncertain significance. Last evaluated: 2026-04-02. Review status: criteria provided, single submitter. Criteria: ACMG Guidelines, 2015. Collection method: clinical testing. Allele origin: germline.
Comment: PM2, BP4

NM_015001.3(SPEN):c.5276T>C (p.Leu1759Pro)

Gene: SPEN (spen family transcriptional repressor; plus strand). Cytogenetic location: 1p36.13.
Variant type: single nucleotide variant.
Coding change: c.5276T>C on transcript NM_015001.3 (MANE Select); coding-DNA position 5276, T replaced by C.
Protein change: p.Leu1759Pro; replaces leucine 1759 with proline.
Molecular consequence: missense variant.
Genome position (GRCh38, 1-based): chr1:15,931,516, T>C. VCF-style: chr1-15931516-T-C. GRCh37 (hg19) VCF-style: chr1-16258011-T-C.
Other names: short protein forms L1759P.
Identifiers: ClinVar variation 4891119 (VCV004891119.1).